The following is an entry in ClinVar:

NM_001868.4(CPA1):c.918C>G (p.His306Gln)

Gene: CPA1 (carboxypeptidase A1; plus strand). Cytogenetic location: 7q32.2.
Variant type: single nucleotide variant.
Coding change: c.918C>G on transcript NM_001868.4 (MANE Select); coding-DNA position 918, C replaced by G.
Protein change: p.His306Gln; replaces histidine 306 with glutamine.
Molecular consequence: missense variant.
Genome position (GRCh38, 1-based): chr7:130,385,276, C>G. VCF-style: chr7-130385276-C-G. GRCh37 (hg19) VCF-style: chr7-130025117-C-G.
Other names: short protein forms H306Q.
Identifiers: ClinVar variation 1766099 (VCV001766099.3), dbSNP rs782172898, ClinGen allele CA369283737.

ClinVar aggregate classification (germline): Uncertain significance (1 of 4 stars; one submission).

Conditions:
Hereditary pancreatitis (PCTT). Also called: PRSS1-Related Hereditary Pancreatitis; Hereditary chronic pancreatitis. Identifiers: Orphanet 676, MedGen C0238339, MONDO:0008185, OMIM 167800.

Submission:

Ambry Genetics
Classification: Uncertain significance for Hereditary pancreatitis. Last evaluated: 2025-08-01. Review status: criteria provided, single submitter. Criteria: Ambry Variant Classification Scheme 2023. Collection method: clinical testing. Allele origin: germline.
Comment: The p.H306Q variant (also known as c.918C>G), located in coding exon 8 of the CPA1 gene, results from a C to G substitution at nucleotide position 918. The histidine at codon 306 is replaced by glutamine, an amino acid with highly similar properties. This amino acid position is conserved. In addition, the in silico prediction for this alteration is inconclusive. Since supporting evidence is limited at this time, the clinical significance of this alteration remains unclear.